The following is an entry in ClinVar:

NM_000041.4(APOE):c.605T>C (p.Leu202Pro)

Gene: APOE (apolipoprotein E; plus strand). Cytogenetic location: 19q13.32.
Variant type: single nucleotide variant.
Coding change: c.605T>C on transcript NM_000041.4 (MANE Select); coding-DNA position 605, T replaced by C.
Protein change: p.Leu202Pro; replaces leucine 202 with proline.
Molecular consequence: missense variant.
Genome position (GRCh38, 1-based): chr19:44,908,901, T>C. VCF-style: chr19-44908901-T-C. GRCh37 (hg19) VCF-style: chr19-45412158-T-C.
Other names: c.683T>C, p.Leu228Pro (NM_001302688.2); c.605T>C, p.Leu202Pro (NM_001302689.2, NM_001302690.2, NM_001302691.2); short protein forms L228P, L202P.
Identifiers: ClinVar variation 3886422 (VCV003886422.1).

ClinVar aggregate classification (germline): Uncertain significance (1 of 4 stars; one submission).

Conditions:
Cardiovascular phenotype. Identifiers: MedGen CN230736.

Submission:

Ambry Genetics
Classification: Uncertain significance for Cardiovascular phenotype. Last evaluated: 2025-01-11. Review status: criteria provided, single submitter. Criteria: Ambry Variant Classification Scheme 2023. Collection method: clinical testing. Allele origin: germline.
Comment: The p.L202P variant (also known as c.605T>C), located in coding exon 3 of the APOE gene, results from a T to C substitution at nucleotide position 605. The leucine at codon 202 is replaced by proline, an amino acid with similar properties. This amino acid position is conserved. In addition, the in silico prediction for this alteration is inconclusive. Based on the available evidence, the clinical significance of this variant remains unclear.